The following is an entry in ClinVar:

ClinVar aggregate classification (germline): Uncertain significance. Review status: criteria provided, multiple submitters, no conflicts (2 of 4 stars). 2 submissions from 2 submitters: Uncertain significance (2). Last evaluated 2024-07-21.

Allele frequency attached by ClinVar (database versions not stated): TOPMed below 0.00001; ExAC 0.00001; gnomAD 0.00001; gnomAD exomes 0.00001.
gnomAD v4.1: 12 of 1,210,471 alleles (0.00099%); highest among the groups gnomAD compares: Non-Finnish European, 0.00078%; no homozygotes.

Submissions (2):

Labcorp Genetics (formerly Invitae), Labcorp
Classification: Uncertain significance. Last evaluated: 2024-07-21. Review status: criteria provided, single submitter. Criteria: Invitae Variant Classification Sherloc (09022015). Collection method: clinical testing. Allele origin: germline.
Comment: This sequence change replaces leucine, which is neutral and non-polar, with arginine, which is basic and polar, at codon 305 of the NSDHL protein (p.Leu305Arg). This variant is present in population databases (rs781948041, gnomAD 0.002%), including at least one homozygous and/or hemizygous individual. This variant has not been reported in the literature in individuals affected with NSDHL-related conditions. ClinVar contains an entry for this variant (Variation ID: 2661673). An algorithm developed to predict the effect of missense changes on protein structure and function (PolyPhen-2) suggests that this variant is likely to be disruptive. In summary, the available evidence is currently insufficient to determine the role of this variant in disease. Therefore, it has been classified as a Variant of Uncertain Significance.

CeGaT Center for Human Genetics Tuebingen
Classification: Uncertain significance. Last evaluated: 2023-05-01. Review status: criteria provided, single submitter. Criteria: CeGaT Center For Human Genetics Tuebingen Variant Classification Criteria Version 2. Collection method: clinical testing. Allele origin: germline. Affected: yes. Observed: 1 variant allele.

NM_015922.3(NSDHL):c.914T>G (p.Leu305Arg)

Gene: NSDHL (NAD(P) dependent 3-beta-hydroxysteroid dehydrogenase NSDHL; plus strand). Cytogenetic location: Xq28.
Variant type: single nucleotide variant.
Coding change: c.914T>G on transcript NM_015922.3 (MANE Select); coding-DNA position 914, T replaced by G.
Protein change: p.Leu305Arg; replaces leucine 305 with arginine.
Molecular consequence: missense variant.
Genome position (GRCh38, 1-based): chrX:152,868,908, T>G. VCF-style: chrX-152868908-T-G. GRCh37 (hg19) VCF-style: chrX-152037452-T-G.
Other names: c.914T>G, p.Leu305Arg (NM_001129765.2); short protein forms L305R.
Identifiers: ClinVar variation 2661673 (VCV002661673.26), dbSNP rs781948041, ClinGen allele CA10544877.